The following is an entry in ClinVar:

NM_198578.4(LRRK2):c.286A>T (p.Met96Leu)

Gene: LRRK2 (leucine rich repeat kinase 2; plus strand). Cytogenetic location: 12q12.
Variant type: single nucleotide variant.
Coding change: c.286A>T on transcript NM_198578.4 (MANE Select); coding-DNA position 286, A replaced by T.
Protein change: p.Met96Leu; replaces methionine 96 with leucine.
Molecular consequence: missense variant.
Genome position (GRCh38, 1-based): chr12:40,232,322, A>T. VCF-style: chr12-40232322-A-T. GRCh37 (hg19) VCF-style: chr12-40626124-A-T.
Other names: short protein forms M96L.
Identifiers: ClinVar variation 3540612 (VCV003540612.1).

ClinVar aggregate classification (germline): Uncertain significance (1 of 4 stars; one submission).

Conditions:
Inborn genetic diseases. Identifiers: MedGen C0950123, MeSH D030342.

gnomAD v4.1: 1 of 1,614,158 alleles (0.000062%); highest among the groups gnomAD compares: African/African-American, 0.0013%; no homozygotes.

Submission:

Ambry Genetics
Classification: Uncertain significance for Inborn genetic diseases. Last evaluated: 2024-08-06. Review status: criteria provided, single submitter. Criteria: Ambry Variant Classification Scheme 2023. Collection method: clinical testing. Allele origin: germline.
Comment: The p.M96L variant (also known as c.286A>T), located in coding exon 3 of the LRRK2 gene, results from an A to T substitution at nucleotide position 286. The methionine at codon 96 is replaced by leucine, an amino acid with highly similar properties. This amino acid position is conserved. In addition, this alteration is predicted to be tolerated by in silico analysis. Based on the available evidence, the clinical significance of this variant remains unclear.